The following is an entry in ClinVar:

ClinVar aggregate classification (germline): Benign. Review status: criteria provided, single submitter (1 of 4 stars). 2 submissions from 1 submitter: Benign (2). Last evaluated 2018-01-13.

Conditions:
Wagner disease. Also called: WAGNER VITREORETINAL DEGENERATION; WAGNER VITREORETINOPATHY; Wagner Vitreoretinal Degeneration (Wagner Synrdome); WAGNER SYNDROME 1; HYALOIDEORETINAL DEGENERATION OF WAGNER; Wagner syndrome. Identifiers: Orphanet 898, MedGen C1840452, MONDO:0007740, OMIM 143200.
Vitreoretinopathy. Also called: Vitreoretinal degeneration. Identifiers: MedGen C0344290, MONDO:0020248, HP:0007773.

Allele frequency attached by ClinVar (database versions not stated): gnomAD exomes 0.00001 and 0.00002; ExAC 0.00002.
gnomAD v4.1: 12 of 1,613,962 alleles (0.00074%); highest among the groups gnomAD compares: South Asian, 0.0099%; no homozygotes.

Submissions (2):

Illumina Laboratory Services, Illumina
Classification: Benign for Vitreoretinopathy. Last evaluated: 2018-01-13. Review status: criteria provided, single submitter. Criteria: ICSL Variant Classification Criteria 13 December 2019. Collection method: clinical testing. Allele origin: germline.
Comment: This variant was observed in the ICSL laboratory as part of a predisposition screen in an ostensibly healthy population. It had not been previously curated by ICSL or reported in the Human Gene Mutation Database (HGMD: prior to June 1st, 2018), and was therefore a candidate for classification through an automated scoring system. Utilizing variant allele frequency, disease prevalence and penetrance estimates, and inheritance mode, an automated score was calculated to assess if this variant is too frequent to cause the disease. Based on the score and internal cut-off values, a variant classified as benign is not then subjected to further curation. The score for this variant resulted in a classification of benign for this disease.

Illumina Laboratory Services, Illumina
Classification: Benign for Wagner disease. Last evaluated: 2018-01-13. Review status: criteria provided, single submitter. Criteria: ICSL Variant Classification Criteria 13 December 2019. Collection method: clinical testing. Allele origin: germline.
Comment: the same text as in the submission from Illumina Laboratory Services, Illumina above.

NM_004385.5(VCAN):c.7999G>C (p.Gly2667Arg)

Genes: VCAN (versican; plus strand), VCAN-AS1 (VCAN antisense RNA 1; minus strand). Cytogenetic location: 5q14.3.
Variant type: single nucleotide variant.
Coding change: c.7999G>C on transcript NM_004385.5 (MANE Select); coding-DNA position 7999, G replaced by C.
Protein change: p.Gly2667Arg; replaces glycine 2667 with arginine.
Molecular consequence: missense variant. On other transcripts: intron variant (2).
Genome position (GRCh38, 1-based): chr5:83,541,002, G>C. VCF-style: chr5-83541002-G-C. GRCh37 (hg19) VCF-style: chr5-82836821-G-C.
Other names: c.5038G>C, p.Gly1680Arg (NM_001164097.2); c.4004-4535G>C (NM_001164098.2); c.1043-4535G>C (NM_001126336.3); short protein forms G2667R, G1680R.
Identifiers: ClinVar variation 907574 (VCV000907574.4), dbSNP rs774497812, ClinGen allele CA3333727.